The following is an entry in ClinVar:

NM_022765.4(MICAL1):c.599C>G (p.Pro200Arg)

Gene: MICAL1 (microtubule associated monooxygenase, calponin and LIM domain containing 1; minus strand). Cytogenetic location: 6q21.
Variant type: single nucleotide variant.
Coding change: c.599C>G on transcript NM_022765.4 (MANE Select); coding-DNA position 599, C replaced by G.
Protein change: p.Pro200Arg; replaces proline 200 with arginine.
Molecular consequence: missense variant.
Genome position (GRCh38, 1-based): chr6:109,452,588, G>C on the plus strand (C>G on the coding strand, the complement: MICAL1 is on the minus strand). VCF-style: chr6-109452588-G-C. GRCh37 (hg19) VCF-style: chr6-109773791-G-C.
Other names: c.599C>G, p.Pro200Arg (NM_001159291.2); c.656C>G, p.Pro219Arg (NM_001286613.2); short protein forms P219R, P200R.
Identifiers: ClinVar variation 2983720 (VCV002983720.3), dbSNP rs760813009, ClinGen allele CA365232963.

ClinVar aggregate classification (germline): Uncertain significance (1 of 4 stars; one submission).

Allele frequency attached by ClinVar (database versions not stated): TOPMed below 0.00001.
gnomAD v4.1: 5 of 1,613,140 alleles (0.00031%); highest among the groups gnomAD compares: Middle Eastern, 0.018%; no homozygotes.

Submission:

Labcorp Genetics (formerly Invitae), Labcorp
Classification: Uncertain significance. Last evaluated: 2025-12-08. Review status: criteria provided, single submitter. Criteria: Invitae Variant Classification Sherloc (09022015). Collection method: clinical testing. Allele origin: germline.
Comment: This sequence change replaces proline, which is neutral and non-polar, with arginine, which is basic and polar, at codon 219 of the MICAL1 protein (p.Pro219Arg). This variant is present in population databases (no rsID available, gnomAD 0.003%). This variant has not been reported in the literature in individuals affected with MICAL1-related conditions. ClinVar contains an entry for this variant (Variation ID: 2983720). An algorithm developed to predict the effect of missense changes on protein structure and function (PolyPhen-2) suggests that this variant is likely to be disruptive. In summary, the available evidence is currently insufficient to determine the role of this variant in disease. Therefore, it has been classified as a Variant of Uncertain Significance.